The following is an entry in ClinVar:

NM_001365536.1(SCN9A):c.2108T>G (p.Leu703Arg)

Genes: SCN1A-AS1 (SCN1A and SCN9A antisense RNA 1; plus strand), SCN9A (sodium voltage-gated channel alpha subunit 9; minus strand). Cytogenetic location: 2q24.3.
Variant type: single nucleotide variant.
Coding change: c.2108T>G on transcript NM_001365536.1 (MANE Select); coding-DNA position 2108, T replaced by G.
Protein change: p.Leu703Arg; replaces leucine 703 with arginine.
Molecular consequence: missense variant.
Genome position (GRCh38, 1-based): chr2:166,280,592, A>C on the plus strand (T>G on the coding strand, the complement: SCN9A is on the minus strand). VCF-style: chr2-166280592-A-C. GRCh37 (hg19) VCF-style: chr2-167137102-A-C.
Other names: c.2075T>G, p.Leu692Arg (NM_002977.4); short protein forms L703R, L692R.
Identifiers: ClinVar variation 2926040 (VCV002926040.3), dbSNP rs2468020477, ClinGen allele CA349080758.
Genomic context (GRCh38, chr2:166,280,592, plus strand): 5'-ATCAAGAATTTGTGTGCAAATCTGTACCACCAAGGTGGACATTTTTGTCTGGACTCTTCA[A>C]GTTCTGGGAGAAAAAAGCAGAGAACATGGAGTCAGCCATTTGTCTGTTTCACTCCTAACC-3'
Protein context (NP_001352465.1, residues 693-713): ASILTNTVEE[Leu703Arg]EESRQKCPPW

ClinVar aggregate classification (germline): Uncertain significance (1 of 4 stars; one submission).

Conditions:
Neuropathy, hereditary sensory and autonomic, type 2A (HSAN2A). Also called: MORVAN DISEASE; NEUROPATHY, CONGENITAL SENSORY; NEUROPATHY, HEREDITARY SENSORY RADICULAR, AUTOSOMAL RECESSIVE; NEUROPATHY, HEREDITARY SENSORY, TYPE IIA; NEUROPATHY, PROGRESSIVE SENSORY, OF CHILDREN; ACROOSTEOLYSIS, GIACCAI TYPE. Identifiers: Orphanet 970, MedGen C2752089, MONDO:0024309, OMIM 201300.
Generalized epilepsy with febrile seizures plus, type 7 (GEFSP7). Also called: GEFS+, TYPE 7. Identifiers: Orphanet 36387, MedGen C2751778, MONDO:0013470, OMIM 613863.

Allele frequency attached by ClinVar (database versions not stated): gnomAD exomes below 0.00001.
gnomAD v4.1: 2 of 1,555,570 alleles (0.00013%); highest among the groups gnomAD compares: Non-Finnish European, 0.00017%; no homozygotes.

Submission:

Labcorp Genetics (formerly Invitae), Labcorp
Classification: Uncertain significance for Neuropathy, hereditary sensory and autonomic, type 2A; Generalized epilepsy with febrile seizures plus, type 7. Last evaluated: 2023-11-16. Review status: criteria provided, single submitter. Criteria: Invitae Variant Classification Sherloc (09022015). Collection method: clinical testing. Allele origin: germline.
Comment: This sequence change replaces leucine, which is neutral and non-polar, with arginine, which is basic and polar, at codon 692 of the SCN9A protein (p.Leu692Arg). This variant is not present in population databases (gnomAD no frequency). This variant has not been reported in the literature in individuals affected with SCN9A-related conditions. Advanced modeling of protein sequence and biophysical properties (such as structural, functional, and spatial information, amino acid conservation, physicochemical variation, residue mobility, and thermodynamic stability) performed at Invitae indicates that this missense variant is not expected to disrupt SCN9A protein function with a negative predictive value of 95%. In summary, the available evidence is currently insufficient to determine the role of this variant in disease. Therefore, it has been classified as a Variant of Uncertain Significance.